The following is an entry in ClinVar:

ClinVar aggregate classification (germline): Likely pathogenic (1 of 4 stars; one submission).

Conditions:
KMT2D-related disorder. Also called: KMT2D-Related Disorders.

Submission:

PreventionGenetics, part of Exact Sciences
Classification: Likely pathogenic for KMT2D-related condition. Last evaluated: 2026-03-25. Review status: criteria provided, single submitter. Criteria: ACMG Guidelines, 2015. Collection method: clinical testing. Allele origin: germline.
Comment: The KMT2D c.3859G>T variant is predicted to result in premature protein termination (p.Glu1287*). To our knowledge, this variant has not been reported in the literature or in a large population database (gnomAD), indicating this variant is rare. Nonsense variants in KMT2D are expected to be pathogenic. This variant is interpreted as likely pathogenic.

NM_003482.4(KMT2D):c.3859G>T (p.Glu1287Ter)

Genes: KMT2D (lysine methyltransferase 2D; minus strand), LOC126861520 (CDK7 strongly-dependent group 2 enhancer GRCh37_chr12:49442744-49443943; plus strand). Cytogenetic location: 12q13.12.
Variant type: single nucleotide variant.
Coding change: c.3859G>T on transcript NM_003482.4 (MANE Select); coding-DNA position 3859, G replaced by T.
Protein change: p.Glu1287Ter; replaces glutamic acid 1287 with a stop codon.
Molecular consequence: nonsense.
Genome position (GRCh38, 1-based): chr12:49,049,729, C>A on the plus strand (G>T on the coding strand, the complement: KMT2D is on the minus strand). VCF-style: chr12-49049729-C-A. GRCh37 (hg19) VCF-style: chr12-49443512-C-A.
Other names: short protein forms E1287*.
Identifiers: ClinVar variation 4991689 (VCV004991689.1).